The following is an entry in ClinVar:

NM_001129.5(AEBP1):c.1418C>G (p.Thr473Ser)

Gene: AEBP1 (AE binding protein 1; plus strand). Cytogenetic location: 7p13.
Variant type: single nucleotide variant.
Coding change: c.1418C>G on transcript NM_001129.5 (MANE Select); coding-DNA position 1418, C replaced by G.
Protein change: p.Thr473Ser; replaces threonine 473 with serine.
Molecular consequence: missense variant.
Genome position (GRCh38, 1-based): chr7:44,110,742, C>G. VCF-style: chr7-44110742-C-G. GRCh37 (hg19) VCF-style: chr7-44150341-C-G.
Other names: short protein forms T473S.
Identifiers: ClinVar variation 2202194 (VCV002202194.2), dbSNP rs139397017, ClinGen allele CA4237891.

ClinVar aggregate classification (germline): Uncertain significance. Review status: criteria provided, multiple submitters, no conflicts (2 of 4 stars). 2 submissions from 2 submitters: Uncertain significance (2). Last evaluated 2025-12-26.

Allele frequency attached by ClinVar (database versions not stated): ExAC 0.00010; gnomAD 0.00028; TOPMed 0.00029; ESP Exome Variant Server 0.00046; 1000 Genomes Project 0.00120; 1000 Genomes Project 30x 0.00125.
gnomAD v4.1: 75 of 1,524,332 alleles (0.0049%); highest among the groups gnomAD compares: African/African-American, 0.093%; no homozygotes.

Submissions (2):

Women's Health and Genetics/Laboratory Corporation of America, LabCorp
Classification: Uncertain significance. Last evaluated: 2025-12-26. Review status: criteria provided, single submitter. Criteria: LabCorp Variant Classification Summary - May 2015. Collection method: clinical testing. Allele origin: germline.
Comment: Variant summary: AEBP1 c.1418C>G (p.Thr473Ser) results in a conservative amino acid change in the encoded protein sequence. Algorithms developed to predict the effect of missense changes on protein structure and function are either unavailable or do not agree on the potential impact of this missense change. The variant allele was found at a frequency of 0.0001 in 185940 control chromosomes. This frequency is not significantly higher than estimated for disease-causing variants in AEBP1, allowing no conclusion about variant significance. To our knowledge, no occurrence of c.1418C>G in individuals affected with AEBP1-related conditions and no experimental evidence demonstrating its impact on protein function have been reported. ClinVar contains an entry for this variant (Variation ID: 2202194). Based on the evidence outlined above, the variant was classified as uncertain significance.

Labcorp Genetics (formerly Invitae), Labcorp
Classification: Uncertain significance. Last evaluated: 2022-08-10. Review status: criteria provided, single submitter. Criteria: Invitae Variant Classification Sherloc (09022015). Collection method: clinical testing. Allele origin: germline.
Comment: This sequence change replaces threonine, which is neutral and polar, with serine, which is neutral and polar, at codon 473 of the AEBP1 protein (p.Thr473Ser). This variant is present in population databases (rs139397017, gnomAD 0.1%). This variant has not been reported in the literature in individuals affected with AEBP1-related conditions. Algorithms developed to predict the effect of missense changes on protein structure and function output the following: SIFT: "Tolerated"; PolyPhen-2: "Benign"; Align-GVGD: "Class C0". The serine amino acid residue is found in multiple mammalian species, which suggests that this missense change does not adversely affect protein function. Algorithms developed to predict the effect of sequence changes on RNA splicing suggest that this variant may create or strengthen a splice site. In summary, the available evidence is currently insufficient to determine the role of this variant in disease. Therefore, it has been classified as a Variant of Uncertain Significance.